The following is an entry in ClinVar:

NM_000057.4(BLM):c.3703G>A (p.Val1235Ile)

Gene: BLM (BLM RecQ like helicase; plus strand). Cytogenetic location: 15q26.1.
Variant type: single nucleotide variant.
Coding change: c.3703G>A on transcript NM_000057.4 (MANE Select); coding-DNA position 3703, G replaced by A.
Protein change: p.Val1235Ile; replaces valine 1235 with isoleucine.
Molecular consequence: missense variant. On other transcripts: intron variant (1).
Genome position (GRCh38, 1-based): chr15:90,804,311, G>A. VCF-style: chr15-90804311-G-A. GRCh37 (hg19) VCF-style: chr15-91347541-G-A.
Other names: c.3359-4826G>A (NM_001287247.2); c.3703G>A, p.Val1235Ile (NM_001287246.2); c.2578G>A, p.Val860Ile (NM_001287248.2); short protein forms V860I, V1235I.
Identifiers: ClinVar variation 4827204 (VCV004827204.1).

ClinVar aggregate classification (germline): Uncertain significance (1 of 4 stars; one submission).

Conditions:
Hereditary cancer-predisposing syndrome. Also called: Neoplastic Syndromes, Hereditary; Tumor predisposition; Hereditary Cancer Syndrome; Hereditary neoplastic syndrome. Identifiers: Orphanet 140162, MedGen C0027672, MeSH D009386, MONDO:0015356.

Submission:

Ambry Genetics
Classification: Uncertain significance for Hereditary cancer-predisposing syndrome. Last evaluated: 2026-02-28. Review status: criteria provided, single submitter. Criteria: Ambry Variant Classification Scheme 2023. Collection method: clinical testing. Allele origin: germline.
Comment: The p.V1235I variant (also known as c.3703G>A), located in coding exon 18 of the BLM gene, results from a G to A substitution at nucleotide position 3703. The valine at codon 1235 is replaced by isoleucine, an amino acid with highly similar properties. This amino acid position is conserved. In addition, this alteration is predicted to be tolerated by in silico analysis. Based on the available evidence, the clinical significance of this variant remains unclear.